The following is an entry in ClinVar:

NM_007294.4(BRCA1):c.4272G>C (p.Gln1424His)

Gene: BRCA1 (BRCA1 DNA repair associated; minus strand). Cytogenetic location: 17q21.31.
Variant type: single nucleotide variant.
Coding change: c.4272G>C on transcript NM_007294.4 (MANE Select); coding-DNA position 4272, G replaced by C.
Protein change: p.Gln1424His; replaces glutamine 1424 with histidine.
Molecular consequence: missense variant. On other transcripts: non-coding transcript variant (1).
Genome position (GRCh38, 1-based): chr17:43,082,489, C>G on the plus strand (G>C on the coding strand, the complement: BRCA1 is on the minus strand). VCF-style: chr17-43082489-C-G. GRCh37 (hg19) VCF-style: chr17-41234506-C-G.
Other names: 4391G>C; c.4260G>C, p.Gln1420His (NM_001407647.1, NM_001407646.1); c.4149G>C, p.Gln1383His (NM_001407648.1, NM_001407668.1, NM_001407669.1 and 13 more transcripts); c.4146G>C, p.Gln1382His (NM_001407649.1, NM_001407670.1, NM_001407671.1 and 12 more transcripts); c.4272G>C, p.Gln1424His (NM_001407652.1, NM_001407603.1, NM_001407605.1 and 23 more transcripts); c.4194G>C, p.Gln1398His (NM_001407653.1, NM_001407654.1, NM_001407655.1 and 2 more transcripts); c.4191G>C, p.Gln1397His (NM_001407656.1, NM_001407661.1, NM_001407662.1 and 1 more transcripts); c.4008G>C, p.Gln1336His (NM_001407924.1, NM_001407925.1, NM_001407926.1 and 7 more transcripts); and 52 more; short protein forms Q1424H, Q1377H, Q321H, Q1255H, Q1335H, Q1381H, Q1383H, Q1422H.
Identifiers: ClinVar variation 91627 (VCV000091627.17), dbSNP rs398122684, ClinGen allele CA002744.
Genomic context (GRCh38, chr17:43,082,489, plus strand): 5'-ATTTCGCAGGTCCTCAAGGGCAGAAGAGTCACTTATGATGGAAGGGTAGCTGTTAGAAGG[C>G]TGGCTCCCATGCTGTTCTAACACAGCTTCTAGTTCAGCCATTTCCTGCTGGAGCTTTATC-3'
Protein context (NP_009225.1, residues 1414-1434): LEAVLEQHGS[Gln1424His]PSNSYPSIIS

ClinVar aggregate classification (germline): Conflicting classifications of pathogenicity. Review status: criteria provided, conflicting classifications (1 of 4 stars). 4 submissions from 4 submitters: Uncertain significance (2); Likely benign (1). 1 of the submissions does not count toward it. Last evaluated 2024-10-24.

Conditions:
Inherited breast cancer and ovarian cancer.
Hereditary breast ovarian cancer syndrome. Also called: BRCA1- and BRCA2-Associated Hereditary Breast and Ovarian Cancer; Hereditary breast and ovarian cancer syndrome; Hereditary breast and ovarian cancer syndrome (HBOC); Breast and ovarian cancer; Hereditary breast and/or ovarian cancer syndrome; Hereditary breast and ovarian cancer. Identifiers: Orphanet 145, MedGen C0677776, MeSH D061325, MONDO:0003582. Disease mechanism: loss of function.
Breast-ovarian cancer, familial, susceptibility to, 1 (BROVCA1). Also called: BRCA1 Hereditary Breast and Ovarian Cancer; OVARIAN CANCER, SUSCEPTIBILITY TO. Identifiers: Orphanet 145, MedGen C2676676, MONDO:0011450, OMIM 604370. Disease mechanism: loss of function.
Hereditary cancer-predisposing syndrome. Also called: Hereditary Cancer Syndrome; Hereditary neoplastic syndrome; Neoplastic Syndromes, Hereditary; Tumor predisposition. Identifiers: Orphanet 140162, MedGen C0027672, MeSH D009386, MONDO:0015356.

Submissions (4):

Genomics and Molecular Medicine Service, East Genomic Laboratory Hub, NHS Genomic Medicine Service
Classification: Likely benign for Inherited breast cancer and ovarian cancer. Last evaluated: 2024-10-24. Review status: criteria provided, single submitter. Criteria: ACGS Best Practice Guidelines for Variant Classification in Rare Disease 2020. Collection method: clinical testing. Allele origin: germline. Affected: yes.
Comment: BP1,BP4

Labcorp Genetics (formerly Invitae), Labcorp
Classification: Uncertain significance for Hereditary breast ovarian cancer syndrome. Last evaluated: 2022-10-13. Review status: criteria provided, single submitter. Criteria: Invitae Variant Classification Sherloc (09022015). Collection method: clinical testing. Allele origin: germline.
Comment: This variant has not been reported in the literature in individuals affected with BRCA1-related conditions. In summary, the available evidence is currently insufficient to determine the role of this variant in disease. Therefore, it has been classified as a Variant of Uncertain Significance. Advanced modeling of protein sequence and biophysical properties (such as structural, functional, and spatial information, amino acid conservation, physicochemical variation, residue mobility, and thermodynamic stability) performed at Invitae indicates that this missense variant is not expected to disrupt BRCA1 protein function. ClinVar contains an entry for this variant (Variation ID: 91627). This variant is not present in population databases (gnomAD no frequency). This sequence change replaces glutamine, which is neutral and polar, with histidine, which is basic and polar, at codon 1424 of the BRCA1 protein (p.Gln1424His).

Ambry Genetics
Classification: Uncertain significance for Hereditary cancer-predisposing syndrome. Last evaluated: 2019-09-25. Review status: criteria provided, single submitter. Criteria: Ambry Variant Classification Scheme 2023. Collection method: clinical testing. Allele origin: germline.
Comment: The p.Q1424H variant (also known as c.4272G>C), located in coding exon 11 of the BRCA1 gene, results from a G to C substitution at nucleotide position 4272. The glutamine at codon 1424 is replaced by histidine, an amino acid with highly similar properties. This amino acid position is highly conserved in available vertebrate species. In addition, the in silico prediction for this alteration is inconclusive. Since supporting evidence is limited at this time, the clinical significance of this alteration remains unclear.

Sharing Clinical Reports Project (SCRP)
Classification: Uncertain significance for Breast-ovarian cancer, familial 1. Last evaluated: 2011-06-13. Review status: no assertion criteria provided. Collection method: clinical testing. Allele origin: germline. Not counted in ClinVar's aggregate classification.